The following is an entry in ClinVar:

NM_001267550.2(TTN):c.7961G>A (p.Arg2654Lys)

Genes: TTN (titin; minus strand), TTN-AS1 (TTN antisense RNA 1; plus strand). Cytogenetic location: 2q31.2.
Variant type: single nucleotide variant.
Coding change: c.7961G>A on transcript NM_001267550.2 (MANE Select); coding-DNA position 7961, G replaced by A.
Protein change: p.Arg2654Lys; replaces arginine 2654 with lysine.
Molecular consequence: missense variant.
Genome position (GRCh38, 1-based): chr2:178,771,366, C>T on the plus strand (G>A on the coding strand, the complement: TTN is on the minus strand). VCF-style: chr2-178771366-C-T. GRCh37 (hg19) VCF-style: chr2-179636093-C-T.
Other names: p.R2654K:AGG>AAG; c.7961G>A, p.Arg2654Lys (NM_001256850.1, NM_133378.4, NM_133379.5); c.7823G>A, p.Arg2608Lys (NM_003319.4, NM_133432.3, NM_133437.4); short protein forms R2654K, R2608K.
Identifiers: ClinVar variation 47461 (VCV000047461.34), dbSNP rs147207100, ClinGen allele CA141068.

ClinVar aggregate classification (germline): Conflicting classifications of pathogenicity. Review status: criteria provided, conflicting classifications (1 of 4 stars). 16 submissions from 12 submitters: Uncertain significance (4); Benign (4); Likely benign (6). 2 of the submissions do not count toward it. Last evaluated 2026-02-01.

Conditions:
TTN-related disorder. Also called: TTN-related disorders; TTN-related condition; TTN-related disease.
Abnormality of neuronal migration. Identifiers: MedGen C1837249, HP:0002269.
Cardiovascular phenotype. Identifiers: MedGen CN230736.
Autosomal recessive limb-girdle muscular dystrophy type 2J (LGMDR10). Also called: Limb-girdle muscular dystrophy, type 2J; MUSCULAR DYSTROPHY, LIMB-GIRDLE, AUTOSOMAL RECESSIVE 10. Identifiers: Orphanet 140922, MedGen C1837342, MONDO:0012127, OMIM 608807.
Dilated cardiomyopathy 1G (CMD1G). Identifiers: Orphanet 154, MedGen C1858763, MONDO:0011400, OMIM 604145.
Early-onset myopathy with fatal cardiomyopathy (CMYO5). Also called: Salih Myopathy; CONGENITAL MYOPATHY 5 WITH CARDIOMYOPATHY. Identifiers: Orphanet 289377, MedGen C2673677, MONDO:0012714, OMIM 611705. Disease mechanism: loss of function.
Myopathy, myofibrillar, 9, with early respiratory failure (MFM9). Also called: EDSTROM MYOPATHY; MYOPATHY, PROXIMAL, WITH EARLY RESPIRATORY MUSCLE INVOLVEMENT; Hereditary myopathy with early respiratory failure; Myopathy, distal, with early respiratory failure, autosomal dominant. Identifiers: Orphanet 178464, Orphanet 34521, MedGen C1863599, MONDO:0011362, OMIM 603689.
Tibial muscular dystrophy (TMD). Also called: Udd Distal Myopathy – Tibial Muscular Dystrophy; UDD MYOPATHY; Tibial muscular dystrophy, tardive. Identifiers: Orphanet 609, MedGen C1838244, MONDO:0010870, OMIM 600334.
Primary dilated cardiomyopathy (DCM). Also called: Dilated Cardiomyopathy. Identifiers: Orphanet 217604, MedGen C0007193, MeSH D002311, MONDO:0005021, HP:0001644. Inheritance: Various modes of inheritance.

Allele frequency attached by ClinVar (database versions not stated): 1000 Genomes Project 30x 0.00031; 1000 Genomes Project 0.00040; ESP Exome Variant Server 0.00054; gnomAD 0.00088 and 0.00096; TOPMed 0.00096; gnomAD exomes 0.00020 and 0.00011; ExAC 0.00021.
gnomAD v4.1: 305 of 1,613,994 alleles (0.019%); highest among the groups gnomAD compares: African/African-American, 0.37%; no homozygotes.

Submissions (16):

Labcorp Genetics (formerly Invitae), Labcorp
Classification: Likely benign for Dilated cardiomyopathy 1G; Autosomal recessive limb-girdle muscular dystrophy type 2J. Last evaluated: 2026-02-01. Review status: criteria provided, single submitter. Criteria: Invitae Variant Classification Sherloc (09022015). Collection method: clinical testing. Allele origin: germline.

Mayo Clinic Laboratories, Mayo Clinic
Classification: Likely benign. Last evaluated: 2025-07-17. Review status: criteria provided, single submitter. Criteria: ACMG Guidelines, 2015. Collection method: clinical testing. Allele origin: germline. Observed: 3 variant alleles.
Comment: BS1, BP4_moderate

Blueprint Genetics
Classification: Likely benign. Last evaluated: 2024-10-29. Review status: criteria provided, single submitter. Criteria: ACMG Guidelines, 2015. Collection method: clinical testing. Allele origin: germline.

Laboratory for Molecular Medicine, Mass General Brigham Personalized Medicine
Classification: Benign. Last evaluated: 2022-06-23. Review status: criteria provided, single submitter. Criteria: ACMG Guidelines, 2015. Collection method: clinical testing. Allele origin: germline.
Comment: Disclaimer: This variant has not undergone full assessment. The following are preliminary notes: ACMG/AMP Criteria applied: BA1.

GeneDx
Classification: Likely benign. Last evaluated: 2020-11-25. Review status: criteria provided, single submitter. Criteria: GeneDx Variant Classification Process June 2021. Collection method: clinical testing. Allele origin: germline. Affected: yes.
Comment: This variant is associated with the following publications: (PMID: 28973083)

Women's Health and Genetics/Laboratory Corporation of America, LabCorp
Classification: Benign. Last evaluated: 2020-09-08. Review status: criteria provided, single submitter. Criteria: LabCorp Variant Classification Summary - May 2015. Collection method: clinical testing. Allele origin: germline.
Comment: Variant summary: TTN c.7961G>A (p.Arg2654Lys) results in a conservative amino acid change located in the I-band of the encoded protein sequence. Four of four in-silico tools predict a benign effect of the variant on protein function. The variant allele was found at a frequency of 0.0002 in 251268 control chromosomes, predominantly at a frequency of 0.003 within the African or African-American subpopulation in the gnomAD database. The observed variant frequency within African or African-American control individuals in the gnomAD database is approximately 8 fold of the estimated maximal expected allele frequency for a pathogenic variant in TTN causing Dilated Cardiomyopathy phenotype (0.00039), strongly suggesting that the variant is a benign polymorphism found primarily in populations of African or African-American origin. Four clinical diagnostic laboratories have submitted clinical-significance assessments for this variant to ClinVar after 2014 without evidence for independent evaluation. All laboratories classified this variant as benign/likely benign. Based on the evidence outlined above, the variant was classified as benign.

Ambry Genetics
Classification: Likely benign for Cardiovascular phenotype. Last evaluated: 2018-04-11. Review status: criteria provided, single submitter. Criteria: Ambry Variant Classification Scheme 2023. Collection method: clinical testing. Allele origin: germline.

Illumina Laboratory Services, Illumina
Classification: Uncertain significance for Early-onset myopathy with fatal cardiomyopathy. Last evaluated: 2017-04-27. Review status: criteria provided, single submitter. Criteria: ICSL Variant Classification Criteria 13 December 2019. Collection method: clinical testing. Allele origin: germline.

Illumina Laboratory Services, Illumina
Classification: Benign for Myopathy, myofibrillar, 9, with early respiratory failure. Last evaluated: 2017-04-27. Review status: criteria provided, single submitter. Criteria: ICSL Variant Classification Criteria 13 December 2019. Collection method: clinical testing. Allele origin: germline.
Comment: This variant was observed as part of a predisposition screen in an ostensibly healthy population. A literature search was performed for the gene, cDNA change, and amino acid change (where applicable). No publications were found based on this search. Allele frequency data from public databases was too high to be consistent with this variant causing disease. Therefore, this variant is classified as benign.

Illumina Laboratory Services, Illumina
Classification: Uncertain significance for Autosomal recessive limb-girdle muscular dystrophy type 2J. Last evaluated: 2017-04-27. Review status: criteria provided, single submitter. Criteria: ICSL Variant Classification Criteria 13 December 2019. Collection method: clinical testing. Allele origin: germline.

Illumina Laboratory Services, Illumina
Classification: Benign for Tibial muscular dystrophy. Last evaluated: 2017-04-27. Review status: criteria provided, single submitter. Criteria: ICSL Variant Classification Criteria 13 December 2019. Collection method: clinical testing. Allele origin: germline.
Comment: the same text as in the submission from Illumina Laboratory Services, Illumina above.

Illumina Laboratory Services, Illumina
Classification: Uncertain significance for Dilated cardiomyopathy 1G. Last evaluated: 2017-04-27. Review status: criteria provided, single submitter. Criteria: ICSL Variant Classification Criteria 13 December 2019. Collection method: clinical testing. Allele origin: germline.

Eurofins Ntd Llc (ga)
Classification: Likely benign. Last evaluated: 2017-02-02. Review status: criteria provided, single submitter. Criteria: EGL Classification Definitions 2015. Collection method: clinical testing. Allele origin: germline. Observed: 3 variant alleles, 3 heterozygotes.

Genetics and Genomics Program, Sidra Medicine
Classification: Uncertain significance for Primary dilated cardiomyopathy. Review status: criteria provided, single submitter. Criteria: ACMG Guidelines, 2015. Collection method: research. Allele origin: unknown. Affected: yes. Observed: 1 variant allele.

PreventionGenetics, part of Exact Sciences
Classification: Likely benign for TTN-related condition. Last evaluated: 2022-06-29. Review status: no assertion criteria provided. Collection method: clinical testing. Allele origin: germline. Not counted in ClinVar's aggregate classification.
Comment: This variant is classified as likely benign based on ACMG/AMP sequence variant interpretation guidelines (Richards et al. 2015 PMID: 25741868, with internal and published modifications).

Génétique et pathophysiologie de maladies neurodéveloppementales et épileptogènes, Institut de génétique et de biologie moléculaire et cellulaire
Classification: Benign for Malformation of Cortical Development. Last evaluated: 2014-10-31. Review status: no assertion criteria provided. Collection method: clinical testing. Allele origin: maternal. Affected: yes. Observed: 3 variant alleles, 2 heterozygotes, 1 compound heterozygote. Not counted in ClinVar's aggregate classification.

Literature cited by the submitters: PubMed 28973083 (cited by Mayo Clinic Laboratories, Mayo Clinic); PubMed 31664938 (cited by Mayo Clinic Laboratories, Mayo Clinic).